The following is an entry in ClinVar:

NM_001283009.2(RTEL1):c.1016G>C (p.Ser339Thr)

Genes: RTEL1 (regulator of telomere elongation helicase 1; plus strand), RTEL1-TNFRSF6B (RTEL1-TNFRSF6B readthrough (NMD candidate); plus strand). Cytogenetic location: 20q13.33.
Variant type: single nucleotide variant.
Coding change: c.1016G>C on transcript NM_001283009.2 (MANE Select); coding-DNA position 1016, G replaced by C.
Protein change: p.Ser339Thr; replaces serine 339 with threonine.
Molecular consequence: missense variant. On other transcripts: non-coding transcript variant (1).
Genome position (GRCh38, 1-based): chr20:63,678,325, G>C. VCF-style: chr20-63678325-G-C. GRCh37 (hg19) VCF-style: chr20-62309678-G-C.
Other names: c.347G>C, p.Ser116Thr (NM_001283010.1); c.1016G>C, p.Ser339Thr (NM_016434.4); c.1088G>C, p.Ser363Thr (NM_032957.5); short protein forms S116T, S339T, S363T.
Identifiers: ClinVar variation 2158189 (VCV002158189.3), dbSNP rs756238648, ClinGen allele CA9964560.
Genomic context (GRCh38, chr20:63,678,325, plus strand): 5'-CAGTGATCCTGCTGCGCCTGGAGGGGGCCATCGATGCTGTTGAGCTGCCTGGAGACGACA[G>C]CGGTGTCACCAAGCCAGGGAGGTGAGAGGCGGGGAGCCAGCCCCTTCACTGCAGGCCCAG-3'
Protein context (NP_001269938.1, residues 329-349): IDAVELPGDD[Ser339Thr]GVTKPGSYIF

ClinVar aggregate classification (germline): Uncertain significance. Review status: criteria provided, multiple submitters, no conflicts (2 of 4 stars). 2 submissions from 2 submitters: Uncertain significance (2). Last evaluated 2024-04-23.

Conditions:
Pulmonary fibrosis and/or bone marrow failure, Telomere-related, 3. Also called: PULMONARY FIBROSIS AND/OR BONE MARROW FAILURE SYNDROME, TELOMERE-RELATED, 3. Identifiers: Orphanet 2032, MedGen C4225346, MONDO:0014613, OMIM 616373.
Dyskeratosis congenita, autosomal recessive 5 (DKCB5). Identifiers: MedGen C3554656, MONDO:0014076, OMIM 615190.

Allele frequency attached by ClinVar (database versions not stated): TOPMed below 0.00001; gnomAD 0.00001; gnomAD exomes 0.00001; ExAC 0.00004.
gnomAD v4.1: 21 of 1,612,732 alleles (0.0013%); highest among the groups gnomAD compares: Non-Finnish European, 0.0014%; no homozygotes.

Submissions (2):

Blueprint Genetics
Classification: Uncertain significance. Last evaluated: 2024-04-23. Review status: criteria provided, single submitter. Criteria: ACMG Guidelines, 2015. Collection method: clinical testing. Allele origin: germline.

Labcorp Genetics (formerly Invitae), Labcorp
Classification: Uncertain significance for Dyskeratosis congenita, autosomal recessive 5; Pulmonary fibrosis and/or bone marrow failure, Telomere-related, 3. Last evaluated: 2023-11-28. Review status: criteria provided, single submitter. Criteria: Invitae Variant Classification Sherloc (09022015). Collection method: clinical testing. Allele origin: germline.
Comment: This sequence change replaces serine, which is neutral and polar, with threonine, which is neutral and polar, at codon 339 of the RTEL1 protein (p.Ser339Thr). This variant is present in population databases (rs756238648, gnomAD 0.005%). This variant has not been reported in the literature in individuals affected with RTEL1-related conditions. ClinVar contains an entry for this variant (Variation ID: 2158189). Algorithms developed to predict the effect of missense changes on protein structure and function output the following: SIFT: "Not Available"; PolyPhen-2: "Benign"; Align-GVGD: "Not Available". The threonine amino acid residue is found in multiple mammalian species, which suggests that this missense change does not adversely affect protein function. In summary, the available evidence is currently insufficient to determine the role of this variant in disease. Therefore, it has been classified as a Variant of Uncertain Significance.